The following is an entry in ClinVar:

NM_000540.3(RYR1):c.12812_12817del (p.Gly4271_Ala4272del)

Gene: RYR1 (ryanodine receptor 1; plus strand). Cytogenetic location: 19q13.2.
Variant type: Deletion.
Coding change: c.12812_12817del on transcript NM_000540.3 (MANE Select); coding-DNA positions 12812 to 12817, 6 bases deleted (GCGCGG; older notation c.12812_12817delGCGCGG).
Protein change: p.Gly4271_Ala4272del.
Molecular consequence: inframe deletion.
Genome position (GRCh38, 1-based): chr19:38,565,146-38,565,151, GCGCGG deleted; deleting any 6 consecutive bases within chr19:38,565,142-38,565,151 gives the same sequence; the c. name uses the placement nearest the transcript's 3' end. VCF-style (leftmost placement, unchanged base first): chr19-38565141-GGCGGGC-G. GRCh37 (hg19) VCF-style: chr19-39055781-GGCGGGC-G.
Other names: c.12797_12802del, p.Gly4266_Ala4267del (NM_001042723.2).
Identifiers: ClinVar variation 4712501 (VCV004712501.1).
Genomic context (GRCh38, chr19:38,565,141, plus strand): 5'-GATCTCGGAGCCCGAGGGCGAGCCGGAGACCGACGAGGACGAGGGCGCGGGCGCGGCGGA[GGCGGGC>G]GCGGAAGGCGCGGAGGAGGGCGCGGCGGGGCTCGAGGGCACGGCGGCCACGGCGGCGGCG-3'

ClinVar aggregate classification (germline): Uncertain significance (1 of 4 stars; one submission).

Conditions:
RYR1-related disorder. Also called: RYR1-related condition; RYR1-related disorders. Identifiers: MedGen CN239331.

Submission:

Labcorp Genetics (formerly Invitae), Labcorp
Classification: Uncertain significance for RYR1-related disorder. Last evaluated: 2025-02-06. Review status: criteria provided, single submitter. Criteria: Invitae Variant Classification Sherloc (09022015). Collection method: clinical testing. Allele origin: germline.
Comment: This variant, c.12812_12817del, results in the deletion of 2 amino acid(s) of the RYR1 protein (p.Gly4271_Ala4272del), but otherwise preserves the integrity of the reading frame. This variant is not present in population databases (gnomAD no frequency). This variant has not been reported in the literature in individuals affected with RYR1-related conditions. Experimental studies and prediction algorithms are not available or were not evaluated, and the functional significance of this variant is currently unknown. In summary, the available evidence is currently insufficient to determine the role of this variant in disease. Therefore, it has been classified as a Variant of Uncertain Significance.